The following is an entry in ClinVar:

ClinVar aggregate classification (germline): Likely pathogenic (1 of 4 stars; one submission).

Submission:

Dasa
Classification: Likely pathogenic. Last evaluated: 2025-05-23. Review status: criteria provided, single submitter. Criteria: DASA Assertion Criteria. Collection method: clinical testing. Allele origin: germline.
Comment: NM_181552.4(CUX1):c.619dup (p.Thr207Asnfs*7) is a frameshift variant in CUX1 predicted to alter the reading frame and introduce a premature termination codon and is predicted to result in an absent or altered protein product. Loss of function is an established disease mechanism for CUX1-associated disorders. Also, this variant is rare in population databases. Based on the currently available evidence, this variant is classified as likely pathogenic.

NM_181552.4(CUX1):c.619dup (p.Thr207fs)

Gene: CUX1 (cut like homeobox 1; plus strand). Cytogenetic location: 7q22.1.
Variant type: Duplication.
Coding change: c.619dup on transcript NM_181552.4 (MANE Select); coding-DNA position 619, one base duplicated (A; older notation c.619dupA).
Protein change: p.Thr207fs; shifts the reading frame from threonine 207.
Molecular consequence: frameshift variant.
Genome position (GRCh38, 1-based): chr7:102,115,218, A duplicated; the last of 6 consecutive A bases (chr7:102,115,213-102,115,218); duplicating any one gives the same sequence. VCF-style (leftmost placement, unchanged base first): chr7-102115212-G-GA. GRCh37 (hg19) VCF-style: chr7-101758492-G-GA.
Other names: c.652dup, p.Thr218fs (NM_001913.5, NM_181500.4, NM_001202543.2); c.604dup, p.Thr202fs (NM_001202544.3); c.514dup, p.Thr172fs (NM_001202545.3); c.541dup, p.Thr181fs (NM_001202546.3); short protein forms T172fs, T181fs, T202fs, T207fs, T218fs.
Identifiers: ClinVar variation 4884260 (VCV004884260.2).
Genomic context (GRCh38, chr7:102,115,212, plus strand): 5'-TGTATGCATTCTTTTAAAATTTCATTTAAATAGTTAGTAATTCTTTGCCTTTCAGCCCTG[G>GA]AAAAAACTCGAACAGAATTATTTGACCTGAAAACCAAATACGATGAAGAAACTACTGCAA-3'